The following is an entry in ClinVar:

NM_001388453.1(QRICH2):c.2496T>C (p.Val832=)

Gene: QRICH2 (glutamine rich 2; minus strand). Cytogenetic location: 17q25.1.
Variant type: single nucleotide variant.
Coding change: c.2496T>C on transcript NM_001388453.1 (MANE Select); coding-DNA position 2496, T replaced by C.
Protein change: p.Val832=; no amino-acid change (valine 832 retained).
Molecular consequence: synonymous variant.
Genome position (GRCh38, 1-based): chr17:76,292,231, A>G on the plus strand (T>C on the coding strand, the complement: QRICH2 is on the minus strand). VCF-style: chr17-76292231-A-G. GRCh37 (hg19) VCF-style: chr17-74288312-A-G.
Other names: c.2496T>C, p.Val832= (NM_032134.3).
Identifiers: ClinVar variation 3060652 (VCV003060652.2), dbSNP rs6501875, ClinGen allele CA8784047.

ClinVar aggregate classification (germline): Benign (0 of 4 stars; one submission).

Conditions:
QRICH2-related disorder. Also called: QRICH2-related condition.

Allele frequency attached by ClinVar (database versions not stated): 1000 Genomes Project 0.00579; gnomAD 0.00791.
gnomAD v4.1: 3,883 of 1,544,764 alleles (0.25%); highest among the groups gnomAD compares: Admixed American, 5.8%; 123 homozygotes.

Submission:

PreventionGenetics, part of Exact Sciences
Classification: Benign for QRICH2-related condition. Last evaluated: 2019-10-18. Review status: no assertion criteria provided. Collection method: clinical testing. Allele origin: germline.
Comment: This variant is classified as benign based on ACMG/AMP sequence variant interpretation guidelines (Richards et al. 2015 PMID: 25741868, with internal and published modifications).